The following is an entry in ClinVar:

NM_178859.4(SLC51B):c.167G>A (p.Gly56Glu)

Genes: RASL12 (RAS like family 12; minus strand), SLC51B (SLC51 subunit beta; plus strand). Cytogenetic location: 15q22.31.
Variant type: single nucleotide variant.
Coding change: c.167G>A on transcript NM_178859.4 (MANE Select); coding-DNA position 167, G replaced by A.
Protein change: p.Gly56Glu; replaces glycine 56 with glutamic acid.
Molecular consequence: missense variant.
Genome position (GRCh38, 1-based): chr15:65,051,584, G>A. VCF-style: chr15-65051584-G-A. GRCh37 (hg19) VCF-style: chr15-65343922-G-A.
Other names: c.167G>A (NM_178859.3); short protein forms G56E.
Identifiers: ClinVar variation 1976897 (VCV001976897.6), dbSNP rs373603839, ClinGen allele CA7613481.
Genomic context (GRCh38, chr15:65,051,584, plus strand): 5'-GGAATCATTCCATCCTTGCCCTGGCAGCTGTGGTGGTCATTATAAGCATGGTCCTCCTGG[G>A]AAGAAGCATCCAGGCAAGCAGGTGAGGAGCTGGTCCTGGGGGGATGGGGTGGTCTCTGTG-3'
Protein context (NP_849190.2, residues 46-66): VVVIISMVLL[Gly56Glu]RSIQASRKEK

ClinVar aggregate classification (germline): Uncertain significance. Review status: criteria provided, multiple submitters, no conflicts (2 of 4 stars). 2 submissions from 2 submitters: Uncertain significance (2). Last evaluated 2024-07-19.

Allele frequency attached by ClinVar (database versions not stated): ExAC 0.00003; ESP Exome Variant Server 0.00008; gnomAD 0.00008; gnomAD exomes 0.00010.
gnomAD v4.1: 160 of 1,613,492 alleles (0.0099%); highest among the groups gnomAD compares: Non-Finnish European, 0.013%; no homozygotes.

Submissions (2):

Labcorp Genetics (formerly Invitae), Labcorp
Classification: Uncertain significance. Last evaluated: 2024-07-19. Review status: criteria provided, single submitter. Criteria: Invitae Variant Classification Sherloc (09022015). Collection method: clinical testing. Allele origin: germline.
Comment: This sequence change replaces glycine, which is neutral and non-polar, with glutamic acid, which is acidic and polar, at codon 56 of the SLC51B protein (p.Gly56Glu). This variant is present in population databases (rs373603839, gnomAD 0.007%). This variant has not been reported in the literature in individuals affected with SLC51B-related conditions. ClinVar contains an entry for this variant (Variation ID: 1976897). An algorithm developed to predict the effect of missense changes on protein structure and function (PolyPhen-2) suggests that this variant is likely to be disruptive. In summary, the available evidence is currently insufficient to determine the role of this variant in disease. Therefore, it has been classified as a Variant of Uncertain Significance.

Ambry Genetics
Classification: Uncertain significance. Last evaluated: 2023-12-28. Review status: criteria provided, single submitter. Criteria: Ambry Variant Classification Scheme 2023. Collection method: clinical testing. Allele origin: germline.